The following is an entry in ClinVar:

ClinVar aggregate classification (germline): Likely pathogenic. Review status: criteria provided, multiple submitters, no conflicts (2 of 4 stars). 2 submissions from 2 submitters: Likely pathogenic (2). Last evaluated 2025-01-29.

Conditions:
Finnish congenital nephrotic syndrome (NPHS1). Also called: NEPHROTIC SYNDROME, TYPE 1. Identifiers: Orphanet 839, MedGen C0403399, MONDO:0009732, OMIM 256300.

Submissions (2):

Natera, Inc.
Classification: Likely pathogenic for Finnish congenital nephrotic syndrome. Last evaluated: 2025-01-29. Review status: criteria provided, single submitter. Criteria: Natera Variant Classification Schema (03/2026). Collection method: clinical testing. Allele origin: germline.
Comment: The c.2177del variant in NPHS1 is a frameshift variant predicted to shift the reading frame beginning at codon 726 and leads to a stop codon 26 codons downstream. This variant is expected to result in nonsense mediated decay, truncation, or a dysfunctional protein product. This variant is rare in the general population with a frequency below the threshold expected for the associated phenotype(s). Given the available evidence, this variant is classified as Likely Pathogenic.

Genome-Nilou Lab
Classification: Likely pathogenic for Finnish congenital nephrotic syndrome. Last evaluated: 2021-07-22. Review status: criteria provided, single submitter. Criteria: ACMG Guidelines, 2015. Collection method: clinical testing. Allele origin: germline. Affected: no.

NM_004646.4(NPHS1):c.2177del (p.Gly726fs)

Gene: NPHS1 (NPHS1 adhesion molecule, nephrin; minus strand). Cytogenetic location: 19q13.12.
Variant type: Deletion.
Coding change: c.2177del on transcript NM_004646.4 (MANE Select); coding-DNA position 2177, one base deleted (G; older notation c.2177delG).
Protein change: p.Gly726fs; shifts the reading frame from glycine 726.
Molecular consequence: frameshift variant.
Genome position (GRCh38, 1-based): chr19:35,844,138, C deleted on the plus strand (G on the coding strand, the reverse complement: NPHS1 is on the minus strand); the first of 3 consecutive C bases (chr19:35,844,138-35,844,140); deleting any one gives the same sequence. VCF-style (leftmost placement, unchanged base first): chr19-35844137-GC-G. GRCh37 (hg19) VCF-style: chr19-36335039-GC-G.
Other names: short protein forms G726fs.
Identifiers: ClinVar variation 1210444 (VCV001210444.5), dbSNP rs2146821851, ClinGen allele CA2499225450.